The following is an entry in ClinVar:

ClinVar aggregate classification (germline): Uncertain significance (1 of 4 stars; one submission).

Submission:

Labcorp Genetics (formerly Invitae), Labcorp
Classification: Uncertain significance. Last evaluated: 2023-07-05. Review status: criteria provided, single submitter. Criteria: Invitae Variant Classification Sherloc (09022015). Collection method: clinical testing. Allele origin: germline.
Comment: This sequence change replaces asparagine, which is neutral and polar, with histidine, which is basic and polar, at codon 382 of the POC5 protein (p.Asn382His). This variant is not present in population databases (gnomAD no frequency). This variant has not been reported in the literature in individuals affected with POC5-related conditions. An algorithm developed to predict the effect of missense changes on protein structure and function (PolyPhen-2) suggests that this variant is likely to be disruptive. In summary, the available evidence is currently insufficient to determine the role of this variant in disease. Therefore, it has been classified as a Variant of Uncertain Significance.

NM_001099271.2(POC5):c.1144A>C (p.Asn382His)

Gene: POC5 (POC5 centriolar protein; minus strand). Cytogenetic location: 5q13.3.
Variant type: single nucleotide variant.
Coding change: c.1144A>C on transcript NM_001099271.2 (MANE Select); coding-DNA position 1144, A replaced by C.
Protein change: p.Asn382His; replaces asparagine 382 with histidine.
Molecular consequence: missense variant.
Genome position (GRCh38, 1-based): chr5:75,685,470, T>G on the plus strand (A>C on the coding strand, the complement: POC5 is on the minus strand). VCF-style: chr5-75685470-T-G. GRCh37 (hg19) VCF-style: chr5-74981295-T-G.
Other names: c.1069A>C, p.Asn357His (NM_152408.3); short protein forms N357H, N382H.
Identifiers: ClinVar variation 2735877 (VCV002735877.3), dbSNP rs1221114605, ClinGen allele CA360145049.